The following is an entry in ClinVar:

ClinVar aggregate classification (germline): Uncertain significance. Review status: criteria provided, multiple submitters, no conflicts (2 of 4 stars). 2 submissions from 2 submitters: Uncertain significance (2). Last evaluated 2025-11-27.

Conditions:
Inborn genetic diseases. Identifiers: MedGen C0950123, MeSH D030342.
Schimke immuno-osseous dysplasia (SIOD). Also called: Schimke Immunoosseous Dysplasia. Identifiers: Orphanet 1830, MedGen C0877024, MONDO:0009458, OMIM 242900.

Submissions (2):

Labcorp Genetics (formerly Invitae), Labcorp
Classification: Uncertain significance for Schimke immuno-osseous dysplasia. Last evaluated: 2025-11-27. Review status: criteria provided, single submitter. Criteria: Invitae Variant Classification Sherloc (09022015). Collection method: clinical testing. Allele origin: germline.
Comment: This sequence change replaces serine, which is neutral and polar, with threonine, which is neutral and polar, at codon 37 of the SMARCAL1 protein (p.Ser37Thr). This variant is not present in population databases (gnomAD no frequency). This variant has not been reported in the literature in individuals affected with SMARCAL1-related conditions. ClinVar contains an entry for this variant (Variation ID: 2322717). Invitae Evidence Modeling of protein sequence and biophysical properties (such as structural, functional, and spatial information, amino acid conservation, physicochemical variation, residue mobility, and thermodynamic stability) indicates that this missense variant is not expected to disrupt SMARCAL1 protein function with a negative predictive value of 80%. In summary, the available evidence is currently insufficient to determine the role of this variant in disease. Therefore, it has been classified as a Variant of Uncertain Significance.

Ambry Genetics
Classification: Uncertain significance for Inborn genetic diseases. Last evaluated: 2022-11-07. Review status: criteria provided, single submitter. Criteria: Ambry Variant Classification Scheme 2023. Collection method: clinical testing. Allele origin: germline.

NM_014140.4(SMARCAL1):c.110G>C (p.Ser37Thr)

Gene: SMARCAL1 (SNF2 related chromatin remodeling annealing helicase 1; plus strand). Cytogenetic location: 2q35.
Variant type: single nucleotide variant.
Coding change: c.110G>C on transcript NM_014140.4 (MANE Select); coding-DNA position 110, G replaced by C.
Protein change: p.Ser37Thr; replaces serine 37 with threonine.
Molecular consequence: missense variant.
Genome position (GRCh38, 1-based): chr2:216,414,814, G>C. VCF-style: chr2-216414814-G-C. GRCh37 (hg19) VCF-style: chr2-217279537-G-C.
Other names: c.110G>C, p.Ser37Thr (NM_001127207.2); short protein forms S37T.
Identifiers: ClinVar variation 2322717 (VCV002322717.4), dbSNP rs2469610688, ClinGen allele CA350496516.